The following is an entry in ClinVar:

ClinVar aggregate classification (germline): Likely benign. Review status: criteria provided, single submitter (1 of 4 stars). 2 submissions from 2 submitters: Likely benign (1). 1 of the submissions does not count toward it. Last evaluated 2024-02-01.

Conditions:
BMS1-related disorder. Also called: BMS1-related condition.

Submissions (2):

CeGaT Center for Human Genetics Tuebingen
Classification: Likely benign. Last evaluated: 2024-02-01. Review status: criteria provided, single submitter. Criteria: CeGaT Center For Human Genetics Tuebingen Variant Classification Criteria Version 2. Collection method: clinical testing. Allele origin: germline. Affected: yes. Observed: 1 variant allele.
Comment: BMS1: BP4, BP7

PreventionGenetics, part of Exact Sciences
Classification: Likely benign for BMS1-related condition. Last evaluated: 2020-02-26. Review status: no assertion criteria provided. Collection method: clinical testing. Allele origin: germline. Not counted in ClinVar's aggregate classification.
Comment: This variant is classified as likely benign based on ACMG/AMP sequence variant interpretation guidelines (Richards et al. 2015 PMID: 25741868, with internal and published modifications).

NM_014753.4(BMS1):c.867A>G (p.Ala289=)

Gene: BMS1 (BMS1 ribosome biogenesis factor; plus strand). Cytogenetic location: 10q11.21.
Variant type: single nucleotide variant.
Coding change: c.867A>G on transcript NM_014753.4 (MANE Select); coding-DNA position 867, A replaced by G.
Protein change: p.Ala289=; no amino-acid change (alanine 289 retained).
Molecular consequence: synonymous variant.
Genome position (GRCh38, 1-based): chr10:42,792,580, A>G. VCF-style: chr10-42792580-A-G. GRCh37 (hg19) VCF-style: chr10-43288028-A-G.
Other names: c.867A>G (NM_014753.3).
Identifiers: ClinVar variation 3025776 (VCV003025776.23), dbSNP rs1177497889, ClinGen allele CA469023304.